The following is an entry in ClinVar:

ClinVar aggregate classification (germline): Uncertain significance (1 of 4 stars; one submission).

Conditions:
Cardiovascular phenotype. Identifiers: MedGen CN230736.

Submission:

Ambry Genetics
Classification: Uncertain significance for Cardiovascular phenotype. Last evaluated: 2025-12-02. Review status: criteria provided, single submitter. Criteria: Ambry Variant Classification Scheme 2023. Collection method: clinical testing. Allele origin: germline.
Comment: The p.G256R variant (also known as c.766G>A), located in coding exon 8 of the ANK2 gene, results from a G to A substitution at nucleotide position 766. The glycine at codon 256 is replaced by arginine, an amino acid with dissimilar properties. This amino acid position is conserved. In addition, this alteration is predicted to be deleterious by in silico analysis. Based on the available evidence, the clinical significance of this variant remains unclear.

NM_001148.6(ANK2):c.766G>A (p.Gly256Arg)

Gene: ANK2 (ankyrin 2; plus strand). Cytogenetic location: 4q26.
Variant type: single nucleotide variant.
Coding change: c.766G>A on transcript NM_001148.6 (MANE Select); coding-DNA position 766, G replaced by A.
Protein change: p.Gly256Arg; replaces glycine 256 with arginine.
Molecular consequence: missense variant.
Genome position (GRCh38, 1-based): chr4:113,240,557, G>A. VCF-style: chr4-113240557-G-A. GRCh37 (hg19) VCF-style: chr4-114161713-G-A.
Other names: c.679G>A, p.Gly227Arg (NM_001386142.1, NM_001386146.1, NM_001386149.1 and 16 more transcripts); c.703G>A, p.Gly235Arg (NM_001386143.1, NM_001127493.3, NM_001354239.2 and 14 more transcripts); c.811G>A, p.Gly271Arg (NM_001386144.1, NM_001386152.1, NM_001354230.2 and 5 more transcripts); c.724G>A, p.Gly242Arg (NM_001386147.1, NM_001354261.2, NM_001386160.1); c.754G>A, p.Gly252Arg (NM_001386148.2, NM_001386186.2, NM_001354269.3); c.793G>A, p.Gly265Arg (NM_001386175.1); c.730G>A, p.Gly244Arg (NM_001386187.2); c.766G>A, p.Gly256Arg (NM_020977.5, NM_001354265.2, NM_001354268.2 and 9 more transcripts); and 1 more; short protein forms G244R, G273R, G227R, G235R, G265R, G271R, G242R, G252R.
Identifiers: ClinVar variation 4613574 (VCV004613574.1).